The following is an entry in ClinVar:

ClinVar aggregate classification (germline): Likely pathogenic (1 of 4 stars; one submission).

Conditions:
Lymphatic malformation 9. Identifiers: MedGen C5543365, MONDO:0030270, OMIM 619319.

Submission:

3billion
Classification: Likely pathogenic for Lymphatic malformation 9. Last evaluated: 2025-01-07. Review status: criteria provided, single submitter. Criteria: ACMG Guidelines, 2015. Collection method: clinical testing. Allele origin: germline. Affected: yes.
Comment: The variant is not observed in the gnomAD v4.1.0 dataset. Predicted Consequence/Location: Canonical splice site: predicted to alter splicing and result in a loss or disruption of normal protein function. Multiple pathogenic loss-of-function variants are reported downstream of the variant. In silico tools predict the variant to alter splicing and produce an abnormal transcript [SpliceAI: 1.00 (spliceogenicity >=0.2, non-spliceogenicity <0.1)]. Therefore, this variant is classified as Likely pathogenic according to the recommendation of ACMG/AMP guideline.

NM_001378328.1(CELSR1):c.5412+1G>C

Gene: CELSR1 (cadherin EGF LAG seven-pass G-type receptor 1; minus strand). Cytogenetic location: 22q13.31.
Variant type: single nucleotide variant.
Coding change: c.5412+1G>C on transcript NM_001378328.1 (MANE Select); the canonical splice donor site of the intron after coding-DNA position 5412, G replaced by C.
Molecular consequence: splice donor variant.
Genome position (GRCh38, 1-based): chr22:46,399,716, C>G on the plus strand (G>C on the coding strand, the complement: CELSR1 is on the minus strand). VCF-style: chr22-46399716-C-G. GRCh37 (hg19) VCF-style: chr22-46795613-C-G.
Other names: c.5412+1G>C (NM_014246.4).
Identifiers: ClinVar variation 4293727 (VCV004293727.1).